The following is an entry in ClinVar:

ClinVar aggregate classification (germline): Uncertain significance (1 of 4 stars; one submission).

Conditions:
DICER1-related tumor predisposition. Also called: DICER1-related pleuropulmonary blastoma cancer predisposition syndrome; DICER1 syndrome. Identifiers: Orphanet 284343, MedGen C3839822, MONDO:0100216.

Submission:

Labcorp Genetics (formerly Invitae), Labcorp
Classification: Uncertain significance for DICER1-related tumor predisposition. Last evaluated: 2024-12-12. Review status: criteria provided, single submitter. Criteria: Invitae Variant Classification Sherloc (09022015). Collection method: clinical testing. Allele origin: germline.
Comment: This sequence change replaces histidine, which is basic and polar, with leucine, which is neutral and non-polar, at codon 1549 of the DICER1 protein (p.His1549Leu). This variant is not present in population databases (gnomAD no frequency). This variant has not been reported in the literature in individuals affected with DICER1-related conditions. ClinVar contains an entry for this variant (Variation ID: 1490516). Invitae Evidence Modeling of protein sequence and biophysical properties (such as structural, functional, and spatial information, amino acid conservation, physicochemical variation, residue mobility, and thermodynamic stability) indicates that this missense variant is not expected to disrupt DICER1 protein function with a negative predictive value of 95%. In summary, the available evidence is currently insufficient to determine the role of this variant in disease. Therefore, it has been classified as a Variant of Uncertain Significance.

NM_177438.3(DICER1):c.4646A>T (p.His1549Leu)

Gene: DICER1 (dicer 1, ribonuclease III; minus strand). Cytogenetic location: 14q32.13.
Variant type: single nucleotide variant.
Coding change: c.4646A>T on transcript NM_177438.3 (MANE Select); coding-DNA position 4646, A replaced by T.
Protein change: p.His1549Leu; replaces histidine 1549 with leucine.
Molecular consequence: missense variant.
Genome position (GRCh38, 1-based): chr14:95,096,274, T>A on the plus strand (A>T on the coding strand, the complement: DICER1 is on the minus strand). VCF-style: chr14-95096274-T-A. GRCh37 (hg19) VCF-style: chr14-95562611-T-A.
Other names: c.4646A>T, p.His1549Leu (NM_001195573.1, NM_001271282.3, NM_001291628.2 and 1 more transcripts); short protein forms H1549L.
Identifiers: ClinVar variation 1490516 (VCV001490516.9), dbSNP rs2139846652, ClinGen allele CA390867617.
Genomic context (GRCh38, chr14:95,096,274, plus strand): 5'-CAGCCCAGCAGGGCTTCCACACAGTCCGCTATGCTTTTGTCAGCAATACACTGCTCAGTG[T>A]GCAAGTCGTAAGAAATGGACTGCTTTCCCGTGTCAACACCACAGTTTTCTTCTGATGGAT-3'
Protein context (NP_803187.1, residues 1539-1559): TGKQSISYDL[His1549Leu]TEQCIADKSI